The following is an entry in ClinVar:

NM_001365951.3(KIF1B):c.5075A>G (p.Asp1692Gly)

Gene: KIF1B (kinesin family member 1B; plus strand). Cytogenetic location: 1p36.22.
Variant type: single nucleotide variant.
Coding change: c.5075A>G on transcript NM_001365951.3 (MANE Select); coding-DNA position 5075, A replaced by G.
Protein change: p.Asp1692Gly; replaces aspartic acid 1692 with glycine.
Molecular consequence: missense variant.
Genome position (GRCh38, 1-based): chr1:10,374,444, A>G. VCF-style: chr1-10374444-A-G. GRCh37 (hg19) VCF-style: chr1-10434502-A-G.
Other names: c.5075A>G, p.Asp1692Gly (NM_001365952.1); c.4937A>G, p.Asp1646Gly (NM_015074.3); short protein forms D1692G, D1646G.
Identifiers: ClinVar variation 2497108 (VCV002497108.2), dbSNP rs2521978392, ClinGen allele CA338329760.

ClinVar aggregate classification (germline): Uncertain significance (1 of 4 stars; one submission).

Submission:

Ambry Genetics
Classification: Uncertain significance. Last evaluated: 2023-03-12. Review status: criteria provided, single submitter. Criteria: Ambry Variant Classification Scheme 2023. Collection method: clinical testing. Allele origin: germline.
Comment: The p.D1646G variant (also known as c.4937A>G), located in coding exon 43 of the KIF1B gene, results from an A to G substitution at nucleotide position 4937. The aspartic acid at codon 1646 is replaced by glycine, an amino acid with similar properties. This amino acid position is conserved. In addition, the in silico prediction for this alteration is inconclusive. Since supporting evidence is limited at this time, the clinical significance of this alteration remains unclear.